The following is an entry in ClinVar:

NM_004260.4(RECQL4):c.2204G>T (p.Arg735Leu)

Gene: RECQL4 (RecQ like helicase 4; minus strand). Cytogenetic location: 8q24.3.
Variant type: single nucleotide variant.
Coding change: c.2204G>T on transcript NM_004260.4 (MANE Select); coding-DNA position 2204, G replaced by T.
Protein change: p.Arg735Leu; replaces arginine 735 with leucine.
Molecular consequence: missense variant.
Genome position (GRCh38, 1-based): chr8:144,513,477, C>A on the plus strand (G>T on the coding strand, the complement: RECQL4 is on the minus strand). VCF-style: chr8-144513477-C-A. GRCh37 (hg19) VCF-style: chr8-145738861-C-A.
Other names: short protein forms R735L.
Identifiers: ClinVar variation 406981 (VCV000406981.3), dbSNP rs773155492, ClinGen allele CA16612524.
Genomic context (GRCh38, chr8:144,513,477, plus strand): 5'-CGCCGCCGTTCCCGGCTGCACATGCCCGCGTGGTAGGCCTCGGCTGTGGTTTTGGGGGCA[C>A]GACCTTTGGGGAAGACAGGCAGATGGTCAGTGGGATGGGACCATGTGTGCCCAAGGTGGG-3'
Protein context (NP_004251.4, residues 725-745): HAAWVPGSGG[Arg735Leu]APKTTAEAYH

ClinVar aggregate classification (germline): Uncertain significance (1 of 4 stars; one submission).

Conditions:
Baller-Gerold syndrome (BGS). Also called: CRANIOSYNOSTOSIS WITH RADIAL DEFECTS. Identifiers: Orphanet 1225, MedGen C0265308, MONDO:0009039, OMIM 218600.

gnomAD v4.1: 1 of 1,609,834 alleles (0.000062%); highest among the groups gnomAD compares: Non-Finnish European, 0.000085%; no homozygotes.

Submission:

Labcorp Genetics (formerly Invitae), Labcorp
Classification: Uncertain significance for Baller-Gerold syndrome. Last evaluated: 2016-10-24. Review status: criteria provided, single submitter. Criteria: Invitae Variant Classification Sherloc (09022015). Collection method: clinical testing. Allele origin: germline.
Comment: In summary, this variant is a novel missense change that is not predicted to affect protein function. There is no indication that it causes disease, but the available evidence is currently insufficient to prove that conclusively. Therefore, it has been classified as a Variant of Uncertain Significance. This variant is not present in population databases (ExAC no frequency) and has not been reported in the literature in individuals with a RECQL4-related disease. Algorithms developed to predict the effect of missense changes on protein structure and function (SIFT, PolyPhen-2, Align-GVGD) all suggest that this variant is likely to be tolerated, but these predictions have not been confirmed by published functional studies. This sequence change replaces arginine with leucine at codon 735 of the RECQL4 protein (p.Arg735Leu). The arginine residue is weakly conserved and there is a moderate physicochemical difference between arginine and leucine.